The following is an entry in ClinVar:

NM_006766.5(KAT6A):c.5687del (p.Gly1896fs)

Gene: KAT6A (lysine acetyltransferase 6A; minus strand). Cytogenetic location: 8p11.21.
Variant type: Deletion.
Coding change: c.5687del on transcript NM_006766.5 (MANE Select); coding-DNA position 5687, one base deleted (G; older notation c.5687delG).
Protein change: p.Gly1896fs; shifts the reading frame from glycine 1896.
Molecular consequence: frameshift variant.
Genome position (GRCh38, 1-based): chr8:41,932,533, C deleted on the plus strand (G on the coding strand, the reverse complement: KAT6A is on the minus strand); the first of 2 consecutive C bases (chr8:41,932,533-41,932,534); deleting either gives the same sequence. VCF-style (leftmost placement, unchanged base first): chr8-41932532-GC-G. GRCh37 (hg19) VCF-style: chr8-41790050-GC-G.
Other names: short protein forms G1896fs.
Identifiers: ClinVar variation 4879410 (VCV004879410.1).

ClinVar aggregate classification (germline): Uncertain significance (1 of 4 stars; one submission).

Conditions:
Autosomal dominant intellectual disability-craniofacial anomalies-cardiac defects syndrome (ARTHS). Also called: Arboleda-Tham syndrome; Mental retardation, autosomal dominant 32; KAT6A syndrome. Identifiers: Orphanet 457193, MedGen C4225396, MONDO:0014558, OMIM 616268.

Submission:

Institute of Human Genetics, University of Leipzig Medical Center
Classification: Uncertain significance for Autosomal dominant intellectual disability-craniofacial anomalies-cardiac defects syndrome. Last evaluated: 2026-07-09. Review status: criteria provided, single submitter. Criteria: ACMG Guidelines, 2015. Collection method: clinical testing. Allele origin: unknown. Inheritance: Autosomal dominant inheritance. Affected: yes.
Comment: Criteria applied: PVS1_MOD,PM2